The following is an entry in ClinVar:

NM_021098.3(CACNA1H):c.2265C>T (p.Gly755=)

Gene: CACNA1H (calcium voltage-gated channel subunit alpha1 H; plus strand). Cytogenetic location: 16p13.3.
Variant type: single nucleotide variant.
Coding change: c.2265C>T on transcript NM_021098.3 (MANE Select); coding-DNA position 2265, C replaced by T.
Protein change: p.Gly755=; no amino-acid change (glycine 755 retained).
Molecular consequence: synonymous variant.
Genome position (GRCh38, 1-based): chr16:1,204,272, C>T. VCF-style: chr16-1204272-C-T. GRCh37 (hg19) VCF-style: chr16-1254272-C-T.
Other names: p.Gly755=; c.2265C>T, p.Gly755= (NM_001005407.2).
Identifiers: ClinVar variation 96007 (VCV000096007.42), dbSNP rs61073355, ClinGen allele CA149142.
Genomic context (GRCh38, chr16:1,204,272, plus strand): 5'-GCACGGTGACCGCTGGGACCCCACGCGACCACCCCGTGCGACGGACACACCAGGCCCAGG[C>T]CCAGGCAGCCCCCAGCGGCGGGCACAGCAGAGGGCAGCCCCGGGCGAGCCAGGCTGGATG-3'
Protein context (NP_066921.2, residues 745-765): PPRATDTPGP[Gly755=]PGSPQRRAQQ

ClinVar aggregate classification (germline): Benign/Likely benign. Review status: criteria provided, multiple submitters, no conflicts (2 of 4 stars). 7 submissions from 7 submitters: Benign (6); Likely benign (1). Last evaluated 2026-01-28.

Conditions:
Hyperaldosteronism, familial, type IV (HALD4). Also called: FH IV; ALDOSTERONISM, PRIMARY, AND HYPERTENSION. Identifiers: Orphanet 642671, MedGen C4310756, MONDO:0014875, OMIM 617027.
Idiopathic generalized epilepsy. Also called: Generalised epilepsy; EIG. Identifiers: MedGen C0270850, MONDO:0005579, OMIM 600669.

Allele frequency attached by ClinVar (database versions not stated): 1000 Genomes Project 30x 0.00094; 1000 Genomes Project 0.00120; TOPMed 0.00409; gnomAD 0.00471 and 0.00480; gnomAD exomes 0.00494 and 0.00631; ESP Exome Variant Server 0.00580; ExAC 0.00610.
gnomAD v4.1: 9,833 of 1,608,354 alleles (0.61%); highest among the groups gnomAD compares: Non-Finnish European, 0.72%; 46 homozygotes.

Submissions (7):

Labcorp Genetics (formerly Invitae), Labcorp
Classification: Benign for Idiopathic generalized epilepsy; Hyperaldosteronism, familial, type IV. Last evaluated: 2026-01-28. Review status: criteria provided, single submitter. Criteria: Invitae Variant Classification Sherloc (09022015). Collection method: clinical testing. Allele origin: germline.

CeGaT Center for Human Genetics Tuebingen
Classification: Likely benign. Last evaluated: 2025-06-01. Review status: criteria provided, single submitter. Criteria: CeGaT Center For Human Genetics Tuebingen Variant Classification Criteria Version 2. Collection method: clinical testing. Allele origin: germline. Affected: yes. Observed: 4 variant alleles.
Comment: CACNA1H: BP4, BP7, BS2

Blueprint Genetics
Classification: Benign. Last evaluated: 2024-11-27. Review status: criteria provided, single submitter. Criteria: ACMG Guidelines, 2015. Collection method: clinical testing. Allele origin: germline.

Athena Diagnostics
Classification: Benign. Last evaluated: 2024-08-13. Review status: criteria provided, single submitter. Criteria: Athena Diagnostics Criteria. Collection method: clinical testing. Allele origin: unknown.

Mayo Clinic Laboratories, Mayo Clinic
Classification: Benign. Last evaluated: 2024-05-14. Review status: criteria provided, single submitter. Criteria: ACMG Guidelines, 2015. Collection method: clinical testing. Allele origin: germline. Observed: 2 variant alleles.
Comment: BS1, BS2, BP4, BP7

Eurofins Ntd Llc (ga)
Classification: Benign. Last evaluated: 2013-07-05. Review status: criteria provided, single submitter. Criteria: EGL Classification Definitions 2015. Collection method: clinical testing. Allele origin: germline. Observed: 1 variant allele, 1 heterozygote.

Breakthrough Genomics
Classification: Benign. Review status: criteria provided, single submitter. Criteria: ACMG Guidelines, 2015. Collection method: not provided. Allele origin: germline. Inheritance: Autosomal dominant inheritance. Affected: yes.